The following is an entry in ClinVar:

NM_018840.5(RAB5IF):c.75G>A (p.Trp25Ter)

Genes: RAB5IF (RAB5 interacting factor; plus strand), TGIF2-RAB5IF (TGIF2-RAB5IF readthrough; plus strand), LOC130065793 (ATAC-STARR-seq lymphoblastoid silent region 12876; plus strand). Cytogenetic location: 20q11.23.
Variant type: single nucleotide variant.
Coding change: c.75G>A on transcript NM_018840.5 (MANE Select); coding-DNA position 75, G replaced by A.
Protein change: p.Trp25Ter; replaces tryptophan 25 with a stop codon.
Molecular consequence: nonsense. On other transcripts: non-coding transcript variant (3), intron variant (1).
Genome position (GRCh38, 1-based): chr20:36,606,026, G>A. VCF-style: chr20-36606026-G-A. GRCh37 (hg19) VCF-style: chr20-35234429-G-A.
Other names: c.75G>A, p.Trp25Ter (NM_001199534.2, NM_001374178.1, NM_199483.3); c.193-1689G>A (NM_001199535.2); short protein forms W25*.
Identifiers: ClinVar variation 996015 (VCV000996015.6), dbSNP rs1464308137, ClinGen allele CA408799199.

ClinVar aggregate classification (germline): Pathogenic/Likely pathogenic. Review status: no assertion criteria provided (0 of 4 stars). 3 submissions from 3 submitters: Pathogenic (2); Likely pathogenic (1). Last evaluated 2021-06-01.

Conditions:
Craniofacial dysmorphism, skeletal anomalies, and impaired intellectual development syndrome 2 (CFSMR2). Identifiers: MedGen C5676895, MONDO:0859567, OMIM 616994.
Scoliosis. Identifiers: MedGen C0036439, MONDO:0005392, HP:0002650.
Rib fusion. Identifiers: MedGen C0265695, HP:0000902.
Abnormality of the vertebral column. Identifiers: MedGen C4021789, HP:0000925.
Flat face. Identifiers: MedGen C1853241, HP:0012368.
Bifid ribs. Identifiers: MedGen C4721788, HP:0000892.
Micrognathia. Also called: Mandibular hypoplasia. Identifiers: MedGen C0025990, HP:0000347.
Macrocephaly. Also called: Macrocephalus; large head. Identifiers: MedGen C2243051, HP:0000256.
Bilateral cleft lip and palate. Identifiers: MedGen C1398522.
Hypertelorism. Identifiers: MedGen C0020534, OMIM 145400, HP:0000316.
Intellectual disability. Also called: Intellectual functioning disability; Intellectual developmental disorder; intellectual disabilities. Identifiers: MedGen C3714756, MeSH D008607, MONDO:0001071, HP:0001249.
Craniofacial dysmorphism, skeletal anomalies, and impaired intellectual development 1 (CFSMR1). Also called: Cerebrofaciothoracic dysplasia. Identifiers: Orphanet 1394, MedGen C5677021, MONDO:0800436, OMIM 213980.

Allele frequency attached by ClinVar (database versions not stated): gnomAD exomes below 0.00001.
gnomAD v4.1: 2 of 1,528,484 alleles (0.00013%); highest among the groups gnomAD compares: Non-Finnish European, 0.000088%; no homozygotes.

Submissions (3):

Gene Mapping Laboratory, Hacettepe University
Classification: Pathogenic for Bilateral cleft palate; Intellectual disability; Macrocephaly; Flat face; Hypertelorism; Micrognathia; Bifid ribs; Rib fusion; Abnormality of the vertebral column; Scoliosis. Last evaluated: 2021-06-01. Review status: no assertion criteria provided. Collection method: research. Allele origin: inherited. Inheritance: Autosomal recessive inheritance. Affected: yes. Observed: 1 homozygote.
Comment: The p.Trp25Ter variant has been reported in one Turkish family of consanguineous parents, was absent in large population studies such as gnomAD. The absence of RAB5IF protein has been confirmed in primary skin fibroblasts from the affected individual. This is accompanied by loss of TMCO1 protein in the fibroblasts, which leads to CFSMR (MIM 213980) syndrome, and external introduction of RAB5IF rescues TMCO1 protein levels in fibroblasts. In summary, predicted loss-of-function mutation in homozygosity and strong functional evidence suggest that this variant is pathogenic, leading to CFSMR.

OMIM
Classification: Pathogenic for CRANIOFACIAL DYSMORPHISM, SKELETAL ANOMALIES, AND IMPAIRED INTELLECTUAL DEVELOPMENT SYNDROME 2 (1 patient). Last evaluated: 2014-02-01. Review status: no assertion criteria provided. Collection method: literature only. Allele origin: germline.

Ege University Pediatric Genetics, Ege University
Classification: Likely pathogenic for Craniofacial dysmorphism, skeletal anomalies, and impaired intellectual development 1. Review status: no assertion criteria provided. Collection method: clinical testing. Allele origin: biparental. Inheritance: Autosomal recessive inheritance. Affected: yes. Observed: 1 homozygote.
Comment: The c.75G>A variant has not been reported in public databases (GnomAD) to date, and results in a premature termination codon at 25th position of C20orf24 mRNA, a highly conserved amino acid during evolution.

Literature cited by the submitters: PubMed 24194475 (cited by OMIM); PubMed 35614220 (cited by OMIM).